The following is an entry in ClinVar:

ClinVar aggregate classification (germline): Pathogenic/Likely pathogenic. Review status: criteria provided, multiple submitters, no conflicts (2 of 4 stars). 9 submissions from 9 submitters: Pathogenic (3); Likely pathogenic (5). 1 of the submissions does not count toward it. Last evaluated 2026-01-28.

Conditions:
MUTYH-related disorder. Also called: MUTYH-related condition; MUTYH-related disorders.
Hereditary cancer-predisposing syndrome. Also called: Tumor predisposition; Neoplastic Syndromes, Hereditary; Hereditary neoplastic syndrome; Hereditary Cancer Syndrome. Identifiers: Orphanet 140162, MedGen C0027672, MeSH D009386, MONDO:0015356.
Familial adenomatous polyposis 2. Also called: MYH-associated polyposis; COLORECTAL ADENOMATOUS POLYPOSIS, AUTOSOMAL RECESSIVE; ADENOMAS, MULTIPLE COLORECTAL, AUTOSOMAL RECESSIVE; FAP type 2; MUTYH-related attenuated familial adenomatous polyposis; MUTYH-associated polyposis. Identifiers: Orphanet 220460, Orphanet 247798, MedGen C3272841, MONDO:0012041, OMIM 608456.

Allele frequency attached by ClinVar (database versions not stated): gnomAD exomes below 0.00001 and 0.00001; ExAC 0.00001; gnomAD 0.00001.
gnomAD v4.1: 8 of 1,613,716 alleles (0.0005%); highest among the groups gnomAD compares: African/African-American, 0.0013%; no homozygotes.

Submissions (9):

PreventionGenetics, part of Exact Sciences
Classification: Likely pathogenic for MUTYH-related condition. Last evaluated: 2026-01-28. Review status: criteria provided, single submitter. Criteria: ACMG Guidelines, 2015. Collection method: clinical testing. Allele origin: germline.
Comment: The MUTYH c.1186+1G>A variant is predicted to disrupt the GT donor site and interfere with normal splicing. This variant and another change at the same canonical splice site have been reported in the literature as likely pathogenic (LaDuca et al. 2017. PubMed ID: 28152038; c.1186+2T>C, Jian et al. 2017. PubMed ID: 29093764; Hata et al. 2020. PubMed ID: 32029870). This variant is reported in 0.0033% of alleles in individuals of South Asian descent in gnomAD. This variant is interpreted as likely pathogenic/pathogenic in ClinVar (Variation ID: 140874). Variants that disrupt the consensus splice donor site in MUTYH are expected to be pathogenic. This variant is interpreted as likely pathogenic.

Color Diagnostics, LLC DBA Color Health
Classification: Likely pathogenic for Hereditary cancer-predisposing syndrome. Last evaluated: 2025-09-02. Review status: criteria provided, single submitter. Criteria: ACMG Guidelines, 2015. Collection method: clinical testing. Allele origin: germline.
Comment: This variant causes a G>A nucleotide substitution at the +1 position of intron 12 of the MUTYH gene. Splice site prediction tools suggest that this variant may have a significant impact on RNA splicing. Although this prediction has not been confirmed in published RNA studies, this variant is expected to result in an absent or disrupted protein product. To our knowledge, RNA studies have not been published for this variant, however it is expected to result in the skipping of exon 12 (ClinVar: SCV000941079.5). Pathogenic missense variants have been identified in exon 12 (ClinVar Variation IDs: 406845, 421574), indicating this exon is important for function. This variant has not been reported in individuals affected with MUTYH-related disorders in the literature. This variant has been identified in 1/249520 chromosomes in the general population by the Genome Aggregation Database (gnomAD). Loss of MUTYH function is a known mechanism of disease. Based on the available evidence, this variant is classified as Likely Pathogenic.

Labcorp Genetics (formerly Invitae), Labcorp
Classification: Pathogenic for Familial adenomatous polyposis 2. Last evaluated: 2025-06-25. Review status: criteria provided, single submitter. Criteria: Invitae Variant Classification Sherloc (09022015). Collection method: clinical testing. Allele origin: germline.
Comment: This sequence change affects a donor splice site in intron 12 of the MUTYH gene. RNA analysis indicates that disruption of this splice site induces altered splicing and likely results in a shortened protein product. This variant is present in population databases (rs587781337, gnomAD 0.003%). This variant has not been reported in the literature in individuals affected with MUTYH-related conditions. ClinVar contains an entry for this variant (Variation ID: 140874). Studies have shown that disruption of this splice site results in skipping of exon 12, but is expected to preserve the integrity of the reading-frame (internal data). This variant disrupts a region of the MUTYH protein in which other variant(s) (p.Leu388Pro) have been determined to be pathogenic (PMID: 16134147, 16941501, 17949294, 20848659, 23322991, 25820570). This suggests that this is a clinically significant region of the protein, and that variants that disrupt it are likely to be disease-causing. For these reasons, this variant has been classified as Pathogenic.

Center for Genomic Medicine, Rigshospitalet, Copenhagen University Hospital
Classification: Likely pathogenic. Last evaluated: 2025-03-04. Review status: criteria provided, single submitter. Criteria: ACMG Guidelines, 2015. Collection method: clinical testing. Allele origin: germline.

Ambry Genetics
Classification: Pathogenic for Hereditary cancer-predisposing syndrome. Last evaluated: 2025-01-07. Review status: criteria provided, single submitter. Criteria: Ambry Variant Classification Scheme 2023. Collection method: clinical testing. Allele origin: germline.
Comment: The c.1186+1G>A intronic pathogenic mutation results from a G to A substitution one nucleotide after coding exon 12 of the MUTYH gene. Alterations that disrupt the canonical splice site are expected to result in aberrant splicing. In silico splice site analysis predicts that this alteration will weaken the native splice donor site. RNA studies have demonstrated that this alteration results in abnormal splicing in the set of samples tested (Ambry internal data). The resulting transcript is predicted to be in-frame and is not expected to trigger nonsense-mediated mRNA decay. The exact functional effect of the missing amino acids is unknown; however, based on an internal structural analysis, coding exon 12 skipping would disrupt the structure of the NUDIX domain (Ambry internal data; Russelburg LP et al. ACS Chem Biol, 2020 01;15:93-102). This variant is considered to be rare based on population cohorts in the Genome Aggregation Database (gnomAD). Based on the supporting evidence, this alteration is interpreted as a disease-causing mutation.

All of Us Research Program, National Institutes of Health
Classification: Pathogenic for Familial adenomatous polyposis 2. Last evaluated: 2024-01-11. Review status: criteria provided, single submitter. Criteria: ACMG Guidelines, 2015. Collection method: clinical testing. Allele origin: germline. Inheritance: Autosomal recessive inheritance. Observed: 3 variant alleles, 3 heterozygotes.
Comment: This study involves interpretation of variants in research participants for the purpose of population health screening. Participant phenotype was not available at the time of variant classification. Additional details can be found in publication PMID: 35346344, PMCID: PMC8962531

GeneDx
Classification: Likely pathogenic. Last evaluated: 2023-12-26. Review status: criteria provided, single submitter. Criteria: GeneDx Variant Classification Process June 2021. Collection method: clinical testing. Allele origin: germline.
Comment: Canonical splice site variant predicted to result in an in-frame loss of the adjacent exon in a gene for which loss of function is a known mechanism of disease; Observed in an individual with appendiceal cancer undergoing testing for hereditary cancer (PMID: 36368039); Not observed at significant frequency in large population cohorts (gnomAD); This variant is associated with the following publications: (PMID: 28152038, 31277343, 16879101, 20816984, 23108399, 36368039)

Revvity Omics, Revvity
Classification: Likely pathogenic for Familial adenomatous polyposis 2. Last evaluated: 2019-01-17. Review status: criteria provided, single submitter. Criteria: ACMG Guidelines, 2015. Collection method: clinical testing. Allele origin: germline.

Department of Pathology and Laboratory Medicine, Sinai Health System
Classification: Uncertain significance. Review status: no assertion criteria provided. Collection method: clinical testing. Allele origin: unknown. Affected: yes. Study: The Canadian Open Genetics Repository (COGR). Not counted in ClinVar's aggregate classification.

Literature cited by the submitters: PubMed 16134147 (cited by Labcorp Genetics (formerly Invitae), Labcorp); PubMed 16941501 (cited by Labcorp Genetics (formerly Invitae), Labcorp); PubMed 17949294 (cited by Labcorp Genetics (formerly Invitae), Labcorp); PubMed 20848659 (cited by Labcorp Genetics (formerly Invitae), Labcorp); PubMed 23322991 (cited by Labcorp Genetics (formerly Invitae), Labcorp); PubMed 25820570 (cited by Labcorp Genetics (formerly Invitae), Labcorp); PubMed 31829624 (cited by Ambry Genetics).

NM_001048174.2(MUTYH):c.1102+1G>A

Gene: MUTYH (mutY DNA glycosylase; minus strand). Cytogenetic location: 1p34.1.
Variant type: single nucleotide variant.
Coding change: c.1102+1G>A on transcript NM_001048174.2 (MANE Select); the canonical splice donor site of the intron after coding-DNA position 1102, G replaced by A.
Molecular consequence: splice donor variant.
Genome position (GRCh38, 1-based): chr1:45,331,660, C>T on the plus strand (G>A on the coding strand, the complement: MUTYH is on the minus strand). VCF-style: chr1-45331660-C-T. GRCh37 (hg19) VCF-style: chr1-45797332-C-T.
Other names: c.1102+1G>A (NM_001407072.1, NM_001407073.1, NM_001048171.2 and 6 more transcripts); c.757+1G>A (NM_001350651.2, NM_001350650.2, NM_001407082.1); c.826+1G>A (NM_001293192.2, NM_001293196.2, NM_001407091.1); c.1147+1G>A (NM_001293190.2); c.1135+1G>A (NM_001407069.1, NM_001407077.1, NM_001293191.2); c.1177+1G>A (NM_012222.3); c.1186+1G>A (NM_001128425.2); c.1105+1G>A (NM_001407071.1, NM_001048172.2, NM_001407078.1 and 1 more transcripts); and 5 more.
Identifiers: ClinVar variation 140874 (VCV000140874.28), dbSNP rs587781337, ClinGen allele CA012227.